The following is an entry in ClinVar:

NM_000077.5(CDKN2A):c.273G>A (p.Leu91=)

Gene: CDKN2A (cyclin dependent kinase inhibitor 2A; minus strand). Cytogenetic location: 9p21.3.
Variant type: single nucleotide variant.
Coding change: c.273G>A on transcript NM_000077.5; coding-DNA position 273, G replaced by A.
Protein change: p.Leu91=; no amino-acid change (leucine 91 retained).
Molecular consequence: synonymous variant (on NM_000077.6). On other transcripts: missense variant (1), 3 prime UTR variant (1).
Genome position (GRCh38, 1-based): chr9:21,971,086, C>T on the plus strand (G>A on the coding strand, the complement: CDKN2A is on the minus strand). VCF-style: chr9-21971086-C-T. GRCh37 (hg19) VCF-style: chr9-21971085-C-T.
Other names: c.273G>A, p.Leu91= (NM_000077.6, NM_001195132.2); c.120G>A, p.Leu40= (NM_001363763.2); c.316G>A, p.Gly106Arg (NM_058195.4); c.*196G>A (NM_058197.5); short protein forms G106R.
Identifiers: ClinVar variation 133882 (VCV000133882.38), dbSNP rs4987127, ClinGen allele CA158074.

ClinVar aggregate classification (germline): Conflicting classifications of pathogenicity. Review status: criteria provided, conflicting classifications (1 of 4 stars). 14 submissions from 14 submitters: Uncertain significance (2); Benign (4); Likely benign (5). 3 of the submissions do not count toward it. Last evaluated 2026-01-26.

Conditions:
CDKN2A-related disorder. Also called: CDKN2A-related condition.
Familial melanoma. Also called: Hereditary melanoma; Hereditary cutaneous melanoma. Identifiers: Orphanet 618, MedGen C1512419, MONDO:0018961.
Hereditary cancer-predisposing syndrome. Also called: Tumor predisposition; Hereditary neoplastic syndrome; Neoplastic Syndromes, Hereditary; Hereditary Cancer Syndrome. Identifiers: Orphanet 140162, MedGen C0027672, MeSH D009386, MONDO:0015356.
Melanoma-pancreatic cancer syndrome. Identifiers: Orphanet 404560, MedGen C1838547, MONDO:0011713, OMIM 606719. Disease mechanism: loss of function.

Allele frequency attached by ClinVar (database versions not stated): gnomAD exomes 0.00003 and 0.00005; ExAC 0.00007; 1000 Genomes Project 30x 0.00016; 1000 Genomes Project 0.00020; gnomAD 0.00043 and 0.00045; TOPMed 0.00046; ESP Exome Variant Server 0.00047.
gnomAD v4.1: 117 of 1,605,320 alleles (0.0073%); highest among the groups gnomAD compares: African/African-American, 0.12%; no homozygotes.

Submissions (14):

Labcorp Genetics (formerly Invitae), Labcorp
Classification: Benign for Familial melanoma. Last evaluated: 2026-01-26. Review status: criteria provided, single submitter. Criteria: Invitae Variant Classification Sherloc (09022015). Collection method: clinical testing. Allele origin: germline.

GeneDx
Classification: Uncertain significance. Last evaluated: 2025-06-25. Review status: criteria provided, single submitter. Criteria: GeneDx Variant Classification Process June 2021. Collection method: clinical testing. Allele origin: germline. Affected: yes.
Comment: Reported using an alternate transcript of the gene; In silico analysis supports that this missense variant has a deleterious effect on protein structure/function; Observed in an individual with melanoma (PMID: 27473757); This variant is associated with the following publications: (PMID: 27527004, 28223509, 25318351, 24728327, 28410231, 34726838, 36315513, 27473757)

Center for Genomic Medicine, Rigshospitalet, Copenhagen University Hospital
Classification: Likely benign. Last evaluated: 2025-03-04. Review status: criteria provided, single submitter. Criteria: ACMG Guidelines, 2015. Collection method: clinical testing. Allele origin: germline.

Blueprint Genetics
Classification: Likely benign. Last evaluated: 2024-11-11. Review status: criteria provided, single submitter. Criteria: ACMG Guidelines, 2015. Collection method: clinical testing. Allele origin: germline.

Quest Diagnostics Nichols Institute San Juan Capistrano
Classification: Benign. Last evaluated: 2023-09-06. Review status: criteria provided, single submitter. Criteria: Quest Diagnostics criteria. Collection method: clinical testing. Allele origin: unknown.

Myriad Genetics, Inc.
Classification: Benign for Melanoma-pancreatic cancer syndrome. Last evaluated: 2023-04-20. Review status: criteria provided, single submitter. Criteria: Myriad Autosomal Dominant, Autosomal Recessive and X-Linked Classification Criteria (2023). Collection method: clinical testing. Allele origin: unknown.
Comment: This variant is considered benign. This variant is a silent/synonymous amino acid change and it is not expected to impact splicing.

Ambry Genetics
Classification: Likely benign for Hereditary cancer-predisposing syndrome. Last evaluated: 2022-03-29. Review status: criteria provided, single submitter. Criteria: Ambry Variant Classification Scheme 2023. Collection method: clinical testing. Allele origin: germline.

Sema4
Classification: Likely benign for Hereditary cancer-predisposing syndrome. Last evaluated: 2021-07-15. Review status: criteria provided, single submitter. Criteria: Sema4 Curation Guidelines. Collection method: curation. Allele origin: germline.

Genetic Services Laboratory, University of Chicago
Classification: Uncertain significance. Last evaluated: 2019-05-30. Review status: criteria provided, single submitter. Criteria: ACMG Guidelines, 2015. Collection method: clinical testing. Allele origin: germline. Affected: no.

Women's Health and Genetics/Laboratory Corporation of America, LabCorp
Classification: Benign. Last evaluated: 2018-12-14. Review status: criteria provided, single submitter. Criteria: LabCorp Variant Classification Summary - May 2015. Collection method: clinical testing. Allele origin: germline.
Comment: Variant summary: CDKN2A c.273G>A alters a conserved nucleotide resulting in a synonymous change. One of two in-silico tools predict a benign effect of the variant on protein function. 5/5 computational tools predict no significant impact on normal splicing. However, these predictions have yet to be confirmed by functional studies. The variant allele was found at a frequency of 0.00011 in 262192 control chromosomes, predominantly at a frequency of 0.0011 within the African subpopulation in the gnomAD database. The observed variant frequency within African control individuals in the gnomAD database is approximately 3.67 fold of the estimated maximal expected allele frequency for a pathogenic variant in CDKN2A causing Cutaneous Malignant Melanoma phenotype (0.0003), strongly suggesting that the variant is a benign polymorphism found primarily in populations of African origin. c.273G>A has been reported in the literature. These report(s) do not provide unequivocal conclusions about association of the variant with Cutaneous Malignant Melanoma. To our knowledge, no experimental evidence demonstrating an impact on protein function has been reported. No clinical diagnostic laboratories have submitted clinical-significance assessments for this variant to ClinVar after 2014. Based on the evidence outlined above, the variant was classified as benign.

Color Diagnostics, LLC DBA Color Health
Classification: Likely benign for Hereditary cancer-predisposing syndrome. Last evaluated: 2016-03-21. Review status: criteria provided, single submitter. Criteria: ACMG Guidelines, 2015. Collection method: clinical testing. Allele origin: germline.

PreventionGenetics, part of Exact Sciences
Classification: Likely benign for CDKN2A-related condition. Last evaluated: 2019-03-27. Review status: no assertion criteria provided. Collection method: clinical testing. Allele origin: germline. Not counted in ClinVar's aggregate classification.
Comment: This variant is classified as likely benign based on ACMG/AMP sequence variant interpretation guidelines (Richards et al. 2015 PMID: 25741868, with internal and published modifications).

Counsyl
Classification: Likely benign for Melanoma-pancreatic cancer syndrome. Last evaluated: 2016-07-19. Review status: no assertion criteria provided. Collection method: clinical testing. Allele origin: unknown. Not counted in ClinVar's aggregate classification.

ITMI
No classification provided. Condition: AllHighlyPenetrant. Last evaluated: 2013-09-19. Review status: no classification provided. Collection method: reference population. Allele origin: germline. Not counted in ClinVar's aggregate classification.
Comment: Please see associated publication for description of ethnicities

Literature cited by the submitters: PubMed 36315513 (cited by Quest Diagnostics Nichols Institute San Juan Capistrano); PubMed 28410231 (cited by Quest Diagnostics Nichols Institute San Juan Capistrano); PubMed 24728327 (cited by Quest Diagnostics Nichols Institute San Juan Capistrano and ITMI); PubMed 27473757 (cited by Quest Diagnostics Nichols Institute San Juan Capistrano); PubMed 25318351 (cited by Quest Diagnostics Nichols Institute San Juan Capistrano); PubMed 9935245 (cited by Women's Health and Genetics/Laboratory Corporation of America, LabCorp).